The following is an entry in ClinVar:

NM_004656.4(BAP1):c.1218G>C (p.Glu406Asp)

Gene: BAP1 (BRCA1 associated deubiquitinase 1; minus strand). Cytogenetic location: 3p21.1.
Variant type: single nucleotide variant.
Coding change: c.1218G>C on transcript NM_004656.4 (MANE Select); coding-DNA position 1218, G replaced by C.
Protein change: p.Glu406Asp; replaces glutamic acid 406 with aspartic acid.
Molecular consequence: missense variant.
Genome position (GRCh38, 1-based): chr3:52,404,485, C>G on the plus strand (G>C on the coding strand, the complement: BAP1 is on the minus strand). VCF-style: chr3-52404485-C-G. GRCh37 (hg19) VCF-style: chr3-52438501-C-G.
Other names: c.1164G>C, p.Glu388Asp (NM_001410772.1); short protein forms E388D, E406D.
Identifiers: ClinVar variation 1752271 (VCV001752271.3), dbSNP rs752703914, ClinGen allele CA353102896.

ClinVar aggregate classification (germline): Conflicting classifications of pathogenicity. Review status: criteria provided, conflicting classifications (1 of 4 stars). 2 submissions from 2 submitters: Uncertain significance (1); Likely benign (1). Last evaluated 2025-10-29.

Conditions:
Hereditary cancer-predisposing syndrome. Also called: Hereditary Cancer Syndrome; Hereditary neoplastic syndrome; Neoplastic Syndromes, Hereditary; Tumor predisposition. Identifiers: Orphanet 140162, MedGen C0027672, MeSH D009386, MONDO:0015356.
BAP1-related tumor predisposition syndrome (TPDS1). Also called: Tumor susceptibility linked to germline BAP1 mutations; COMMON Syndrome; TUMOR PREDISPOSITION SYNDROME 1; BAP1 tumor predisposition syndrome. Identifiers: Orphanet 289539, MedGen C3280492, MONDO:0013692, OMIM 614327.

Submissions (2):

Labcorp Genetics (formerly Invitae), Labcorp
Classification: Uncertain significance for BAP1-related tumor predisposition syndrome. Last evaluated: 2025-10-29. Review status: criteria provided, single submitter. Criteria: Invitae Variant Classification Sherloc (09022015). Collection method: clinical testing. Allele origin: germline.
Comment: This sequence change replaces glutamic acid, which is acidic and polar, with aspartic acid, which is acidic and polar, at codon 406 of the BAP1 protein (p.Glu406Asp). This variant is not present in population databases (gnomAD no frequency). This variant has not been reported in the literature in individuals affected with BAP1-related conditions. ClinVar contains an entry for this variant (Variation ID: 1752271). Invitae Evidence Modeling of protein sequence and biophysical properties (such as structural, functional, and spatial information, amino acid conservation, physicochemical variation, residue mobility, and thermodynamic stability) indicates that this missense variant is not expected to disrupt BAP1 protein function with a negative predictive value of 80%. In summary, the available evidence is currently insufficient to determine the role of this variant in disease. Therefore, it has been classified as a Variant of Uncertain Significance.

Ambry Genetics
Classification: Likely benign for Hereditary cancer-predisposing syndrome. Last evaluated: 2023-12-13. Review status: criteria provided, single submitter. Criteria: Ambry Variant Classification Scheme 2023. Collection method: clinical testing. Allele origin: germline.